The following is an entry in ClinVar:

NM_031220.4(PITPNM3):c.307A>G (p.Arg103Gly)

Gene: PITPNM3 (PITPNM family member 3; minus strand). Cytogenetic location: 17p13.2.
Variant type: single nucleotide variant.
Coding change: c.307A>G on transcript NM_031220.4 (MANE Select); coding-DNA position 307, A replaced by G.
Protein change: p.Arg103Gly; replaces arginine 103 with glycine.
Molecular consequence: missense variant.
Genome position (GRCh38, 1-based): chr17:6,484,260, T>C on the plus strand (A>G on the coding strand, the complement: PITPNM3 is on the minus strand). VCF-style: chr17-6484260-T-C. GRCh37 (hg19) VCF-style: chr17-6387580-T-C.
Other names: c.199A>G, p.Arg67Gly (NM_001165966.2); short protein forms R103G, R67G.
Identifiers: ClinVar variation 972425 (VCV000972425.9), dbSNP rs1905935787, ClinGen allele CA397411573.

ClinVar aggregate classification (germline): Uncertain significance (1 of 4 stars; one submission).

Allele frequency attached by ClinVar (database versions not stated): gnomAD exomes 0.00001.
gnomAD v4.1: 7 of 1,612,052 alleles (0.00043%); highest among the groups gnomAD compares: East Asian, 0.016%; no homozygotes.

Submission:

Labcorp Genetics (formerly Invitae), Labcorp
Classification: Uncertain significance. Last evaluated: 2023-11-27. Review status: criteria provided, single submitter. Criteria: Invitae Variant Classification Sherloc (09022015). Collection method: clinical testing. Allele origin: germline.
Comment: This sequence change replaces arginine, which is basic and polar, with glycine, which is neutral and non-polar, at codon 103 of the PITPNM3 protein (p.Arg103Gly). This variant is not present in population databases (gnomAD no frequency). This variant has not been reported in the literature in individuals affected with PITPNM3-related conditions. ClinVar contains an entry for this variant (Variation ID: 972425). An algorithm developed to predict the effect of missense changes on protein structure and function (PolyPhen-2) suggests that this variant is likely to be tolerated. In summary, the available evidence is currently insufficient to determine the role of this variant in disease. Therefore, it has been classified as a Variant of Uncertain Significance.